The following is an entry in ClinVar:

ClinVar aggregate classification (germline): Uncertain significance. Review status: criteria provided, multiple submitters, no conflicts (2 of 4 stars). 2 submissions from 2 submitters: Uncertain significance (2). Last evaluated 2024-05-02.

Conditions:
Inborn genetic diseases. Identifiers: MedGen C0950123, MeSH D030342.

Allele frequency attached by ClinVar (database versions not stated): gnomAD 0.00001; gnomAD exomes 0.00002; TOPMed 0.00002.
gnomAD v4.1: 11 of 1,408,354 alleles (0.00078%); highest among the groups gnomAD compares: East Asian, 0.0061%; no homozygotes.

Submissions (2):

Ambry Genetics
Classification: Uncertain significance for Inborn genetic diseases. Last evaluated: 2024-05-02. Review status: criteria provided, single submitter. Criteria: Ambry Variant Classification Scheme 2023. Collection method: clinical testing. Allele origin: germline.

Labcorp Genetics (formerly Invitae), Labcorp
Classification: Uncertain significance. Last evaluated: 2022-06-27. Review status: criteria provided, single submitter. Criteria: Invitae Variant Classification Sherloc (09022015). Collection method: clinical testing. Allele origin: germline.
Comment: In summary, the available evidence is currently insufficient to determine the role of this variant in disease. Therefore, it has been classified as a Variant of Uncertain Significance. Algorithms developed to predict the effect of missense changes on protein structure and function are either unavailable or do not agree on the potential impact of this missense change (SIFT: "Tolerated"; PolyPhen-2: "Possibly Damaging"; Align-GVGD: "Class C0"). This variant has not been reported in the literature in individuals affected with HMX1-related conditions. This variant is present in population databases (no rsID available, gnomAD 0.005%). This sequence change replaces glutamic acid, which is acidic and polar, with lysine, which is basic and polar, at codon 163 of the HMX1 protein (p.Glu163Lys).

NM_018942.3(HMX1):c.487G>A (p.Glu163Lys)

Gene: HMX1 (H6 family homeobox 1; minus strand). Cytogenetic location: 4p16.1.
Variant type: single nucleotide variant.
Coding change: c.487G>A on transcript NM_018942.3 (MANE Select); coding-DNA position 487, G replaced by A.
Protein change: p.Glu163Lys; replaces glutamic acid 163 with lysine.
Molecular consequence: missense variant. On other transcripts: intron variant (1).
Genome position (GRCh38, 1-based): chr4:8,868,253, C>T on the plus strand (G>A on the coding strand, the complement: HMX1 is on the minus strand). VCF-style: chr4-8868253-C-T. GRCh37 (hg19) VCF-style: chr4-8869979-C-T.
Other names: c.394+2968G>A (NM_001306142.2); c.487G>A (NM_018942.2); short protein forms E163K.
Identifiers: ClinVar variation 1412096 (VCV001412096.5), dbSNP rs906777096, ClinGen allele CA92349806.